The following is an entry in ClinVar:

ClinVar aggregate classification (germline): Uncertain significance. Review status: criteria provided, multiple submitters, no conflicts (2 of 4 stars). 3 submissions from 3 submitters: Uncertain significance (3). Last evaluated 2025-07-01.

Conditions:
Inborn genetic diseases. Identifiers: MedGen C0950123, MeSH D030342.
Cutis laxa, X-linked (OHS). Also called: EDS IX; Occipital horn syndrome. Identifiers: Orphanet 198, MedGen C0268353, MONDO:0010572, OMIM 304150.
Menkes kinky-hair syndrome (MNK). Also called: Menkes Disease; Classic Menkes Disease; Copper transport disease. Identifiers: Orphanet 565, MedGen C0022716, MONDO:0010651, OMIM 309400.
X-linked distal spinal muscular atrophy type 3. Also called: ATP7A-Related Distal Motor Neuropathy; NEURONOPATHY, DISTAL HEREDITARY MOTOR, X-LINKED; NEUROPATHY, DISTAL HEREDITARY MOTOR, X-LINKED; SPINAL MUSCULAR ATROPHY, DISTAL, X-LINKED RECESSIVE. Identifiers: Orphanet 139557, MedGen C1845359, MONDO:0010338, OMIM 300489.

gnomAD v4.1: 1 of 1,211,279 alleles (0.000083%); highest among the groups gnomAD compares: Non-Finnish European, 0.00011%; no homozygotes.

Submissions (3):

CeGaT Center for Human Genetics Tuebingen
Classification: Uncertain significance. Last evaluated: 2025-07-01. Review status: criteria provided, single submitter. Criteria: CeGaT Center For Human Genetics Tuebingen Variant Classification Criteria Version 2. Collection method: clinical testing. Allele origin: germline. Affected: yes. Observed: 1 variant allele.
Comment: ATP7A: PM2, BP4

Labcorp Genetics (formerly Invitae), Labcorp
Classification: Uncertain significance for X-linked distal spinal muscular atrophy type 3; Cutis laxa, X-linked; Menkes kinky-hair syndrome. Last evaluated: 2022-06-27. Review status: criteria provided, single submitter. Criteria: Invitae Variant Classification Sherloc (09022015). Collection method: clinical testing. Allele origin: germline.
Comment: This sequence change replaces threonine, which is neutral and polar, with alanine, which is neutral and non-polar, at codon 186 of the ATP7A protein (p.Thr186Ala). This variant is not present in population databases (gnomAD no frequency). This variant has not been reported in the literature in individuals affected with ATP7A-related conditions. Advanced modeling of protein sequence and biophysical properties (such as structural, functional, and spatial information, amino acid conservation, physicochemical variation, residue mobility, and thermodynamic stability) performed at Invitae indicates that this missense variant is not expected to disrupt ATP7A protein function. In summary, the available evidence is currently insufficient to determine the role of this variant in disease. Therefore, it has been classified as a Variant of Uncertain Significance.

Ambry Genetics
Classification: Uncertain significance for Inborn genetic diseases. Last evaluated: 2021-03-15. Review status: criteria provided, single submitter. Criteria: Ambry General Variant Classification Scheme_2022. Collection method: clinical testing. Allele origin: germline. Observed: 1 variant allele.
Comment: The p.T186A variant (also known as c.556A>G), located in coding exon 2 of the ATP7A gene, results from an A to G substitution at nucleotide position 556. The threonine at codon 186 is replaced by alanine, an amino acid with similar properties. This amino acid position is well conserved in available vertebrate species. In addition, this alteration is predicted to be tolerated by in silico analysis. Based on data from gnomAD, this allele has an overall frequency of 0.0005% (1/182,513) total alleles studied, with no hemizygote(s) observed. The highest observed frequency was 0.001% (1/81,129) of European (non-Finnish) alleles. Since supporting evidence is limited at this time, the clinical significance of this alteration remains unclear.

NM_000052.7(ATP7A):c.556A>G (p.Thr186Ala)

Gene: ATP7A (ATPase copper transporting alpha; plus strand). Cytogenetic location: Xq21.1.
Variant type: single nucleotide variant.
Coding change: c.556A>G on transcript NM_000052.7 (MANE Select); coding-DNA position 556, A replaced by G.
Protein change: p.Thr186Ala; replaces threonine 186 with alanine.
Molecular consequence: missense variant.
Genome position (GRCh38, 1-based): chrX:77,988,677, A>G. VCF-style: chrX-77988677-A-G. GRCh37 (hg19) VCF-style: chrX-77244173-A-G.
Other names: c.556A>G, p.Thr186Ala (NM_001282224.2); short protein forms T186A.
Identifiers: ClinVar variation 1365128 (VCV001365128.14), dbSNP rs1557231656, ClinGen allele CA413600279.